The following is an entry in ClinVar:

NM_001876.4(CPT1A):c.1787T>C (p.Leu596Pro)

Gene: CPT1A (carnitine palmitoyltransferase 1A; minus strand). Cytogenetic location: 11q13.3.
Variant type: single nucleotide variant.
Coding change: c.1787T>C on transcript NM_001876.4 (MANE Select); coding-DNA position 1787, T replaced by C.
Protein change: p.Leu596Pro; replaces leucine 596 with proline.
Molecular consequence: missense variant.
Genome position (GRCh38, 1-based): chr11:68,762,715, A>G on the plus strand (T>C on the coding strand, the complement: CPT1A is on the minus strand). VCF-style: chr11-68762715-A-G. GRCh37 (hg19) VCF-style: chr11-68530183-A-G.
Other names: c.1787T>C, p.Leu596Pro (NM_001031847.3); short protein forms L596P.
Identifiers: ClinVar variation 3629582 (VCV003629582.2).
Genomic context (GRCh38, chr11:68,762,715, plus strand): 5'-ACGAAGTCGCATGACTCAGTGGTGCAGGAGCGCACGGTCTCCGTCCTCCCCTCTCGGAAG[A>G]GCCGGGTCATGGAGGCCTCGTATGTGAGGCAAAACTTGCCCATGTCCTGGGGAAAGAGAA-3'
Protein context (NP_001867.2, residues 586-606): CLTYEASMTR[Leu596Pro]FREGRTETVR

ClinVar aggregate classification (germline): Uncertain significance (1 of 4 stars; one submission).

Submission:

Women's Health and Genetics/Laboratory Corporation of America, LabCorp
Classification: Uncertain significance. Last evaluated: 2024-11-25. Review status: criteria provided, single submitter. Criteria: LabCorp Variant Classification Summary - May 2015. Collection method: clinical testing. Allele origin: germline.
Comment: Variant summary: CPT1A c.1787T>C (p.Leu596Pro) results in a non-conservative amino acid change located in the Choline/carnitine acyltransferase domain (IPR039551) of the encoded protein sequence. Five of five in-silico tools predict a damaging effect of the variant on protein function. The variant was absent in 251328 control chromosomes (gnomAD). c.1787T>C has been reported in the literature in at least two compound heterozygous individuals affected with Carnitine Palmitoyltransferase I Deficiency (Zhang_2021). These data indicate that the variant may be associated with disease. To our knowledge, no experimental evidence demonstrating an impact on protein function has been reported. The following publication have been ascertained in the context of this evaluation (PMID: 34869124). No submitters have cited clinical-significance assessments for this variant to ClinVar. Based on the evidence outlined above, the variant was classified as VUS-possibly pathogenic.

Literature cited by the submitters: PubMed 34869124.